The following is an entry in ClinVar:

ClinVar aggregate classification (germline): Uncertain significance (1 of 4 stars; one submission).

Allele frequency attached by ClinVar (database versions not stated): ExAC 0.00009; ESP Exome Variant Server 0.00022; gnomAD 0.00033; TOPMed 0.00044.

Submission:

Ambry Genetics
Classification: Uncertain significance. Last evaluated: 2026-02-04. Review status: criteria provided, single submitter. Criteria: Ambry Variant Classification Scheme 2023. Collection method: clinical testing. Allele origin: germline.
Comment: The c.293G>A (p.R98Q) alteration is located in exon 4 (coding exon 3) of the TMPRSS7 gene. This alteration results from a G to A substitution at nucleotide position 293, causing the arginine (R) at amino acid position 98 to be replaced by a glutamine (Q). Based on data from gnomAD, the A allele has an overall frequency of 0.022% (42/189210) total alleles studied. The highest observed frequency was 0.054% (3/5546) of Other alleles. Based on insufficient or conflicting evidence, the clinical significance of this alteration remains unclear.

NM_001395507.1(TMPRSS7):c.632G>A (p.Arg211Gln)

Gene: TMPRSS7 (transmembrane serine protease 7; plus strand). Cytogenetic location: 3q13.2.
Variant type: single nucleotide variant.
Coding change: c.632G>A on transcript NM_001395507.1 (MANE Select); coding-DNA position 632, G replaced by A.
Protein change: p.Arg211Gln; replaces arginine 211 with glutamine.
Molecular consequence: missense variant. On other transcripts: non-coding transcript variant (1).
Genome position (GRCh38, 1-based): chr3:112,045,884, G>A. VCF-style: chr3-112045884-G-A. GRCh37 (hg19) VCF-style: chr3-111764731-G-A.
Other names: c.293G>A, p.Arg98Gln (NM_001042575.2); c.221G>A, p.Arg74Gln (NM_001366279.2); short protein forms R74Q, R98Q, R211Q.
Identifiers: ClinVar variation 2370174 (VCV002370174.3), dbSNP rs376478648, ClinGen allele CA2536715.
Genomic context (GRCh38, chr3:112,045,884, plus strand): 5'-TCTGTGAAGACTGTGTTGCCGCCATCTTGAAGGACTCCATCCAGACAAGCATCATAAACC[G>A]GACCTCTGTGGGGAGCTTGCAGGGACTGGCTGTGGACATGGACTCTGTGGTACTAAATGG-3'
Protein context (NP_001382436.1, residues 201-221): KDSIQTSIIN[Arg211Gln]TSVGSLQGLA